The following is an entry in ClinVar:

NM_002439.5(MSH3):c.1582C>G (p.Leu528Val)

Gene: MSH3 (mutS homolog 3; plus strand). Cytogenetic location: 5q14.1.
Variant type: single nucleotide variant.
Coding change: c.1582C>G on transcript NM_002439.5 (MANE Select); coding-DNA position 1582, C replaced by G.
Protein change: p.Leu528Val; replaces leucine 528 with valine.
Molecular consequence: missense variant.
Genome position (GRCh38, 1-based): chr5:80,741,477, C>G. VCF-style: chr5-80741477-C-G. GRCh37 (hg19) VCF-style: chr5-80037296-C-G.
Other names: short protein forms L528V.
Identifiers: ClinVar variation 947308 (VCV000947308.13), dbSNP rs1470261317, ClinGen allele CA360274442.

ClinVar aggregate classification (germline): Uncertain significance. Review status: criteria provided, multiple submitters, no conflicts (2 of 4 stars). 3 submissions from 3 submitters: Uncertain significance (3). Last evaluated 2025-07-24.

Conditions:
Endometrial carcinoma. Also called: Endometrial carcinoma, somatic. Identifiers: MedGen C0476089, MONDO:0002447, OMIM 608089, HP:0012114.
Familial adenomatous polyposis 4 (FAP4). Also called: MSH3-related attenuated familial adenomatous polyposis. Identifiers: Orphanet 480536, MedGen C4310719, MONDO:0044300, OMIM 617100.
Hereditary cancer-predisposing syndrome. Also called: Hereditary neoplastic syndrome; Neoplastic Syndromes, Hereditary; Tumor predisposition; Hereditary Cancer Syndrome. Identifiers: Orphanet 140162, MedGen C0027672, MeSH D009386, MONDO:0015356.

Allele frequency attached by ClinVar (database versions not stated): gnomAD 0.00001; TOPMed 0.00001.
gnomAD v4.1: 1 of 1,584,598 alleles (0.000063%); highest among the groups gnomAD compares: Non-Finnish European, 0.000087%; no homozygotes.

Submissions (3):

Labcorp Genetics (formerly Invitae), Labcorp
Classification: Uncertain significance. Last evaluated: 2025-07-24. Review status: criteria provided, single submitter. Criteria: Invitae Variant Classification Sherloc (09022015). Collection method: clinical testing. Allele origin: germline.
Comment: This sequence change replaces leucine, which is neutral and non-polar, with valine, which is neutral and non-polar, at codon 528 of the MSH3 protein (p.Leu528Val). This variant is present in population databases (no rsID available, gnomAD 0.007%). This variant has not been reported in the literature in individuals affected with MSH3-related conditions. ClinVar contains an entry for this variant (Variation ID: 947308). An algorithm developed to predict the effect of missense changes on protein structure and function (PolyPhen-2) suggests that this variant is likely to be tolerated. In summary, the available evidence is currently insufficient to determine the role of this variant in disease. Therefore, it has been classified as a Variant of Uncertain Significance.

Fulgent Genetics
Classification: Uncertain significance for Endometrial carcinoma; Familial adenomatous polyposis 4. Last evaluated: 2024-02-26. Review status: criteria provided, single submitter. Criteria: ACMG Guidelines, 2015. Collection method: clinical testing. Allele origin: germline.

Ambry Genetics
Classification: Uncertain significance for Hereditary cancer-predisposing syndrome. Last evaluated: 2024-02-16. Review status: criteria provided, single submitter. Criteria: Ambry Variant Classification Scheme 2023. Collection method: clinical testing. Allele origin: germline.
Comment: The p.L528V variant (also known as c.1582C>G), located in coding exon 11 of the MSH3 gene, results from a C to G substitution at nucleotide position 1582. The leucine at codon 528 is replaced by valine, an amino acid with highly similar properties. This amino acid position is conserved. In addition, this alteration is predicted to be tolerated by in silico analysis. Since supporting evidence is limited at this time, the clinical significance of this alteration remains unclear.